The following is an entry in ClinVar:

ClinVar aggregate classification (germline): Uncertain significance (1 of 4 stars; one submission).

Conditions:
Primary familial hypertrophic cardiomyopathy (HCM). Identifiers: Orphanet 99739, MedGen C0949658, MeSH D024741, MONDO:0024573. Inheritance: Various modes of inheritance.
Dilated cardiomyopathy 1AA (CMD1AA). Also called: Cardiomyopathy, dilated, 1AA, with or without LVNC; CARDIOMYOPATHY, DILATED, 1AA, WITH OR WITHOUT LEFT VENTRICULAR NONCOMPACTION; CARDIOMYOPATHY, FAMILIAL HYPERTROPHIC, 23, WITH OR WITHOUT LEFT VENTRICULAR NONCOMPACTION. Identifiers: Orphanet 154, MedGen C2677338, MONDO:0012808, OMIM 612158.

Submission:

Labcorp Genetics (formerly Invitae), Labcorp
Classification: Uncertain significance for Primary familial hypertrophic cardiomyopathy; Dilated cardiomyopathy 1AA. Last evaluated: 2025-04-24. Review status: criteria provided, single submitter. Criteria: Invitae Variant Classification Sherloc (09022015). Collection method: clinical testing. Allele origin: germline.
Comment: This sequence change falls in intron 5 of the ACTN2 gene. It does not directly change the encoded amino acid sequence of the ACTN2 protein. This variant is not present in population databases (gnomAD no frequency). This variant has not been reported in the literature in individuals affected with ACTN2-related conditions. ClinVar contains an entry for this variant (Variation ID: 3748484). Algorithms developed to predict the effect of sequence changes on RNA splicing suggest that this variant may disrupt the consensus splice site. In summary, the available evidence is currently insufficient to determine the role of this variant in disease. Therefore, it has been classified as a Variant of Uncertain Significance.

NM_001103.4(ACTN2):c.537-10G>A

Gene: ACTN2 (actinin alpha 2; plus strand). Cytogenetic location: 1q43.
Variant type: single nucleotide variant.
Coding change: c.537-10G>A on transcript NM_001103.4 (MANE Select); 10 bases into the intron before coding-DNA position 537, G replaced by A.
Molecular consequence: intron variant.
Genome position (GRCh38, 1-based): chr1:236,727,668, G>A. VCF-style: chr1-236727668-G-A. GRCh37 (hg19) VCF-style: chr1-236890968-G-A.
Other names: c.537-10G>A (NM_001278343.2).
Identifiers: ClinVar variation 3748484 (VCV003748484.2).